The following is an entry in ClinVar:

NM_058216.3(RAD51C):c.284A>G (p.His95Arg)

Gene: RAD51C (RAD51 paralog C; plus strand). Cytogenetic location: 17q22.
Variant type: single nucleotide variant.
Coding change: c.284A>G on transcript NM_058216.3 (MANE Select); coding-DNA position 284, A replaced by G.
Protein change: p.His95Arg; replaces histidine 95 with arginine.
Molecular consequence: missense variant. On other transcripts: non-coding transcript variant (2).
Genome position (GRCh38, 1-based): chr17:58,695,069, A>G. VCF-style: chr17-58695069-A-G. GRCh37 (hg19) VCF-style: chr17-56772430-A-G.
Other names: c.284A>G, p.His95Arg (NM_002876.4, NM_058217.1); short protein forms H95R.
Identifiers: ClinVar variation 2871142 (VCV002871142.4), dbSNP rs1567786210, ClinGen allele CA400340846.

ClinVar aggregate classification (germline): Uncertain significance. Review status: criteria provided, multiple submitters, no conflicts (2 of 4 stars). 2 submissions from 2 submitters: Uncertain significance (2). Last evaluated 2025-06-22.

Conditions:
Hereditary cancer-predisposing syndrome. Also called: Hereditary Cancer Syndrome; Hereditary neoplastic syndrome; Neoplastic Syndromes, Hereditary; Tumor predisposition. Identifiers: Orphanet 140162, MedGen C0027672, MeSH D009386, MONDO:0015356.
Fanconi anemia complementation group O. Also called: RAD51C-Related Fanconi Anemia. Identifiers: Orphanet 84, MedGen C3150653, MONDO:0013248, OMIM 613390.

Allele frequency attached by ClinVar (database versions not stated): gnomAD exomes 0.00001.
gnomAD v4.1: 3 of 1,614,154 alleles (0.00019%); highest among the groups gnomAD compares: Non-Finnish European, 0.00025%; no homozygotes.

Submissions (2):

Labcorp Genetics (formerly Invitae), Labcorp
Classification: Uncertain significance for Fanconi anemia complementation group O. Last evaluated: 2025-06-22. Review status: criteria provided, single submitter. Criteria: Invitae Variant Classification Sherloc (09022015). Collection method: clinical testing. Allele origin: germline.
Comment: This sequence change replaces histidine, which is basic and polar, with arginine, which is basic and polar, at codon 95 of the RAD51C protein (p.His95Arg). This variant is not present in population databases (gnomAD no frequency). This variant has not been reported in the literature in individuals affected with RAD51C-related conditions. ClinVar contains an entry for this variant (Variation ID: 2871142). Invitae Evidence Modeling of protein sequence and biophysical properties (such as structural, functional, and spatial information, amino acid conservation, physicochemical variation, residue mobility, and thermodynamic stability) indicates that this missense variant is not expected to disrupt RAD51C protein function with a negative predictive value of 80%. In summary, the available evidence is currently insufficient to determine the role of this variant in disease. Therefore, it has been classified as a Variant of Uncertain Significance.

Ambry Genetics
Classification: Uncertain significance for Hereditary cancer-predisposing syndrome. Last evaluated: 2024-09-08. Review status: criteria provided, single submitter. Criteria: Ambry Variant Classification Scheme 2023. Collection method: clinical testing. Allele origin: germline.
Comment: The p.H95R variant (also known as c.284A>G), located in coding exon 2 of the RAD51C gene, results from an A to G substitution at nucleotide position 284. The histidine at codon 95 is replaced by arginine, an amino acid with highly similar properties. This amino acid position is conserved. In addition, this alteration is predicted to be tolerated by in silico analysis. Based on the available evidence, the clinical significance of this variant remains unclear.